The following is an entry in ClinVar:

NM_000038.6(APC):c.1402G>T (p.Glu468Ter)

Gene: APC (APC regulator of Wnt signaling pathway; plus strand). Cytogenetic location: 5q22.2.
Variant type: single nucleotide variant.
Coding change: c.1402G>T on transcript NM_000038.6 (MANE Select); coding-DNA position 1402, G replaced by T.
Protein change: p.Glu468Ter; replaces glutamic acid 468 with a stop codon.
Molecular consequence: nonsense.
Genome position (GRCh38, 1-based): chr5:112,821,985, G>T. VCF-style: chr5-112821985-G-T. GRCh37 (hg19) VCF-style: chr5-112157682-G-T.
Other names: c.1402G>T, p.Glu468Ter (NM_001127510.3, NM_001354895.2, NM_001354896.2); c.1348G>T, p.Glu450Ter (NM_001127511.3); c.1432G>T, p.Glu478Ter (NM_001354897.2); c.1327G>T, p.Glu443Ter (NM_001354898.2); c.1318G>T, p.Glu440Ter (NM_001354899.2); c.1225G>T, p.Glu409Ter (NM_001354900.2, NM_001354901.2); c.1129G>T, p.Glu377Ter (NM_001354902.2); c.1099G>T, p.Glu367Ter (NM_001354903.2); and 3 more; short protein forms E468*, E450*, E185*, E443*, E478*, E308*, E342*, E367*.
Identifiers: ClinVar variation 411503 (VCV000411503.10), dbSNP rs1060503340, ClinGen allele CA16024380.
Genomic context (GRCh38, chr5:112,821,985, plus strand): 5'-CCTGCTGTGTGTGTTCTAATGAAACTTTCATTTGATGAAGAGCATAGACATGCAATGAAT[G>T]AACTAGGTAAGACAAAAATGTTTTTTAATGACATAGACAATTACTGGTGGATTTTTAAAT-3'

ClinVar aggregate classification (germline): Pathogenic (1 of 4 stars; one submission).

Conditions:
Familial adenomatous polyposis 1 (FAP1). Also called: FAMILIAL ADENOMATOUS POLYPOSIS 1, ATTENUATED; POLYPOSIS, ADENOMATOUS INTESTINAL. Identifiers: MedGen C2713442, MONDO:0021056, OMIM 175100. Disease mechanism: loss of function.

Submission:

Labcorp Genetics (formerly Invitae), Labcorp
Classification: Pathogenic for Familial adenomatous polyposis 1. Last evaluated: 2017-05-11. Review status: criteria provided, single submitter. Criteria: Invitae Variant Classification Sherloc (09022015). Collection method: clinical testing. Allele origin: germline.
Comment: For these reasons, this variant has been classified as Pathogenic. Loss-of-function variants in APC are known to be pathogenic. This particular variant has been reported in the literature in an individual affected with familial adenomatous polyposis (PMID: 19531215). This sequence change creates a premature translational stop signal at codon 468 (p.Glu468*) of the APC gene. It is expected to result in an absent or disrupted protein product.

Literature cited by the submitters: PubMed 19531215.